The following is an entry in ClinVar:

NM_005120.3(MED12):c.631G>A (p.Gly211Arg)

Gene: MED12 (mediator complex subunit 12; plus strand). Cytogenetic location: Xq13.1.
Variant type: single nucleotide variant.
Coding change: c.631G>A on transcript NM_005120.3 (MANE Select); coding-DNA position 631, G replaced by A.
Protein change: p.Gly211Arg; replaces glycine 211 with arginine.
Molecular consequence: missense variant.
Genome position (GRCh38, 1-based): chrX:71,121,048, G>A. VCF-style: chrX-71121048-G-A. GRCh37 (hg19) VCF-style: chrX-70340898-G-A.
Other names: short protein forms G211R.
Identifiers: ClinVar variation 1752838 (VCV001752838.3), dbSNP rs1247718783, ClinGen allele CA413500708.

ClinVar aggregate classification (germline): Conflicting classifications of pathogenicity. Review status: criteria provided, conflicting classifications (1 of 4 stars). 2 submissions from 2 submitters: Uncertain significance (1); Likely benign (1). Last evaluated 2025-08-03.

Conditions:
FG syndrome (FGS). Identifiers: MedGen C0220769, MONDO:0002010.
Familial thoracic aortic aneurysm and aortic dissection (TAAD). Also called: Thoracic aortic aneurysms and dissections. Identifiers: Orphanet 91387, MedGen C4707243, MONDO:0019625.

Allele frequency attached by ClinVar (database versions not stated): gnomAD exomes below 0.00001.
gnomAD v4.1: 1 of 1,212,084 alleles (0.000083%); highest among the groups gnomAD compares: Admixed American, 0.0022%; no homozygotes.

Submissions (2):

Labcorp Genetics (formerly Invitae), Labcorp
Classification: Likely benign for FG syndrome. Last evaluated: 2025-08-03. Review status: criteria provided, single submitter. Criteria: Invitae Variant Classification Sherloc (09022015). Collection method: clinical testing. Allele origin: germline.

Ambry Genetics
Classification: Uncertain significance for Familial thoracic aortic aneurysm and aortic dissection. Last evaluated: 2019-06-05. Review status: criteria provided, single submitter. Criteria: Ambry Variant Classification Scheme 2023. Collection method: clinical testing. Allele origin: germline.
Comment: The p.G211R variant (also known as c.631G>A), located in coding exon 5 of the MED12 gene, results from a G to A substitution at nucleotide position 631. The glycine at codon 211 is replaced by arginine, an amino acid with dissimilar properties. This amino acid position is highly conserved in available vertebrate species. In addition, this alteration is predicted to be tolerated by in silico analysis. Since supporting evidence is limited at this time, the clinical significance of this alteration remains unclear.